The following is an entry in ClinVar:

ClinVar aggregate classification (germline): Likely benign (1 of 4 stars; one submission).

Submission:

GeneDx
Classification: Likely benign. Last evaluated: 2017-12-04. Review status: criteria provided, single submitter. Criteria: GeneDx Variant Classification (06012015). Collection method: clinical testing. Allele origin: germline. Affected: yes.
Comment: This variant is considered likely benign or benign based on one or more of the following criteria: it is a conservative change, it occurs at a poorly conserved position in the protein, it is predicted to be benign by multiple in silico algorithms, and/or has population frequency not consistent with disease.

NM_003239.5(TGFB3):c.-10C>G

Gene: TGFB3 (transforming growth factor beta 3; minus strand). Cytogenetic location: 14q24.3.
Variant type: single nucleotide variant.
Coding change: c.-10C>G on transcript NM_003239.5 (MANE Select); 10 bases upstream of the start codon, C replaced by G.
Molecular consequence: 5 prime UTR variant.
Genome position (GRCh38, 1-based): chr14:75,980,903, G>C on the plus strand (C>G on the coding strand, the complement: TGFB3 is on the minus strand). VCF-style: chr14-75980903-G-C. GRCh37 (hg19) VCF-style: chr14-76447246-G-C.
Other names: c.-10C>G (NM_001329938.2, NM_001329939.2).
Identifiers: ClinVar variation 513819 (VCV000513819.1), dbSNP rs1164569457, ClinGen allele CA658798234.